The following is an entry in ClinVar:

ClinVar aggregate classification (germline): Uncertain significance (1 of 4 stars; one submission).

Conditions:
Nephronophthisis. Also called: Juvenile Nephronophthisis. Identifiers: Orphanet 655, MedGen C0687120, MONDO:0019005, HP:0000090.

Submission:

Labcorp Genetics (formerly Invitae), Labcorp
Classification: Uncertain significance for Nephronophthisis. Last evaluated: 2022-10-13. Review status: criteria provided, single submitter. Criteria: Invitae Variant Classification Sherloc (09022015). Collection method: clinical testing. Allele origin: germline.
Comment: This sequence change replaces arginine, which is basic and polar, with tryptophan, which is neutral and slightly polar, at codon 521 of the NPHP4 protein (p.Arg521Trp). This variant is not present in population databases (gnomAD no frequency). This variant has not been reported in the literature in individuals affected with NPHP4-related conditions. Advanced modeling of protein sequence and biophysical properties (such as structural, functional, and spatial information, amino acid conservation, physicochemical variation, residue mobility, and thermodynamic stability) performed at Invitae indicates that this missense variant is expected to disrupt NPHP4 protein function. In summary, the available evidence is currently insufficient to determine the role of this variant in disease. Therefore, it has been classified as a Variant of Uncertain Significance.

NM_015102.5(NPHP4):c.1561A>T (p.Arg521Trp)

Gene: NPHP4 (nephrocystin 4; minus strand). Cytogenetic location: 1p36.31.
Variant type: single nucleotide variant.
Coding change: c.1561A>T on transcript NM_015102.5 (MANE Select); coding-DNA position 1561, A replaced by T.
Protein change: p.Arg521Trp; replaces arginine 521 with tryptophan.
Molecular consequence: missense variant. On other transcripts: non-coding transcript variant (1), intron variant (2).
Genome position (GRCh38, 1-based): chr1:5,907,165, T>A on the plus strand (A>T on the coding strand, the complement: NPHP4 is on the minus strand). VCF-style: chr1-5907165-T-A. GRCh37 (hg19) VCF-style: chr1-5967225-T-A.
Other names: c.76-1382A>T (NM_001291594.2); c.76-1385A>T (NM_001291593.2); short protein forms R521W.
Identifiers: ClinVar variation 2139918 (VCV002139918.1), dbSNP rs1254495204, ClinGen allele CA338056942.